The following is an entry in ClinVar:

ClinVar aggregate classification (germline): Uncertain significance (1 of 4 stars; one submission).

Submission:

Labcorp Genetics (formerly Invitae), Labcorp
Classification: Uncertain significance. Last evaluated: 2022-08-22. Review status: criteria provided, single submitter. Criteria: Invitae Variant Classification Sherloc (09022015). Collection method: clinical testing. Allele origin: germline.
Comment: This sequence change replaces proline, which is neutral and non-polar, with serine, which is neutral and polar, at codon 99 of the CNGA3 protein (p.Pro99Ser). This variant is not present in population databases (gnomAD no frequency). This variant has not been reported in the literature in individuals affected with CNGA3-related conditions. ClinVar contains an entry for this variant (Variation ID: 1014271). Advanced modeling of protein sequence and biophysical properties (such as structural, functional, and spatial information, amino acid conservation, physicochemical variation, residue mobility, and thermodynamic stability) performed at Invitae indicates that this missense variant is not expected to disrupt CNGA3 protein function. In summary, the available evidence is currently insufficient to determine the role of this variant in disease. Therefore, it has been classified as a Variant of Uncertain Significance.

NM_001298.3(CNGA3):c.295C>T (p.Pro99Ser)

Gene: CNGA3 (cyclic nucleotide gated channel subunit alpha 3; plus strand). Cytogenetic location: 2q11.2.
Variant type: single nucleotide variant.
Coding change: c.295C>T on transcript NM_001298.3 (MANE Select); coding-DNA position 295, C replaced by T.
Protein change: p.Pro99Ser; replaces proline 99 with serine.
Molecular consequence: missense variant.
Genome position (GRCh38, 1-based): chr2:98,380,254, C>T. VCF-style: chr2-98380254-C-T. GRCh37 (hg19) VCF-style: chr2-98996717-C-T.
Other names: c.295C>T, p.Pro99Ser (NM_001079878.2); short protein forms P99S.
Identifiers: ClinVar variation 1014271 (VCV001014271.6), dbSNP rs1411155736, ClinGen allele CA347831057.